The following is an entry in ClinVar:

NM_024685.4(BBS10):c.-5C>T

Gene: BBS10 (Bardet-Biedl syndrome 10; minus strand). Cytogenetic location: 12q21.2.
Variant type: single nucleotide variant.
Coding change: c.-5C>T on transcript NM_024685.4 (MANE Select); 5 bases upstream of the start codon, C replaced by T.
Molecular consequence: 5 prime UTR variant.
Genome position (GRCh38, 1-based): chr12:76,348,363, G>A on the plus strand (C>T on the coding strand, the complement: BBS10 is on the minus strand). VCF-style: chr12-76348363-G-A. GRCh37 (hg19) VCF-style: chr12-76742143-G-A.
Identifiers: ClinVar variation 3356494 (VCV003356494.1).

ClinVar aggregate classification (germline): Likely benign (0 of 4 stars; one submission).

Conditions:
BBS10-related disorder. Also called: BBS10-related condition.

Submission:

PreventionGenetics, part of Exact Sciences
Classification: Likely benign for BBS10-related condition. Last evaluated: 2024-07-05. Review status: no assertion criteria provided. Collection method: clinical testing. Allele origin: germline.
Comment: This variant is classified as likely benign based on ACMG/AMP sequence variant interpretation guidelines (Richards et al. 2015 PMID: 25741868, with internal and published modifications).